The following is an entry in ClinVar:

NM_001164508.2(NEB):c.25519A>G (p.Thr8507Ala)

Genes: NEB (nebulin; minus strand), RIF1 (replication timing regulatory factor 1; plus strand). Cytogenetic location: 2q23.3.
Variant type: single nucleotide variant.
Coding change: c.25519A>G on transcript NM_001164508.2 (MANE Select); coding-DNA position 25519, A replaced by G.
Protein change: p.Thr8507Ala; replaces threonine 8507 with alanine.
Molecular consequence: missense variant.
Genome position (GRCh38, 1-based): chr2:151,485,819, T>C on the plus strand (A>G on the coding strand, the complement: NEB is on the minus strand). VCF-style: chr2-151485819-T-C. GRCh37 (hg19) VCF-style: chr2-152342333-T-C.
Other names: c.25519A>G, p.Thr8507Ala (NM_001164507.2); c.25624A>G, p.Thr8542Ala (NM_001271208.2); c.19951A>G, p.Thr6651Ala (NM_004543.5); short protein forms T8542A, T6651A, T8507A.
Identifiers: ClinVar variation 1948242 (VCV001948242.2), dbSNP rs777246173, ClinGen allele CA1905691.

ClinVar aggregate classification (germline): Uncertain significance (1 of 4 stars; one submission).

Conditions:
Nemaline myopathy 2 (NEM2). Also called: Nemaline myopathy 2, autosomal recessive. Identifiers: MedGen C1850569, MONDO:0009725, OMIM 256030.

Allele frequency attached by ClinVar (database versions not stated): gnomAD 0.00001; gnomAD exomes 0.00001; TOPMed 0.00001; ExAC 0.00002.
gnomAD v4.1: 7 of 1,614,000 alleles (0.00043%); highest among the groups gnomAD compares: Non-Finnish European, 0.00059%; no homozygotes.

Submission:

Labcorp Genetics (formerly Invitae), Labcorp
Classification: Uncertain significance for Nemaline myopathy 2. Last evaluated: 2021-05-05. Review status: criteria provided, single submitter. Criteria: Invitae Variant Classification Sherloc (09022015). Collection method: clinical testing. Allele origin: germline.
Comment: This sequence change replaces threonine with alanine at codon 8542 of the NEB protein (p.Thr8542Ala). The threonine residue is moderately conserved and there is a small physicochemical difference between threonine and alanine. This variant is present in population databases (rs777246173, ExAC 0.003%). This variant has not been reported in the literature in individuals with NEB-related conditions. Algorithms developed to predict the effect of missense changes on protein structure and function are either unavailable or do not agree on the potential impact of this missense change (SIFT: "Deleterious"; PolyPhen-2: "Not Available"; Align-GVGD: "Class C0"). In summary, the available evidence is currently insufficient to determine the role of this variant in disease. Therefore, it has been classified as a Variant of Uncertain Significance.